The following is an entry in ClinVar:

NM_025099.6(CTC1):c.53_55dup (p.Asp18_Ala19insAsp)

Gene: CTC1 (CST telomere replication complex component 1; minus strand). Cytogenetic location: 17p13.1.
Variant type: Duplication.
Coding change: c.53_55dup on transcript NM_025099.6 (MANE Select); coding-DNA positions 53 to 55, 3 bases duplicated (ATG; older notation c.53_55dupATG).
Protein change: p.Asp18_Ala19insAsp.
Molecular consequence: inframe insertion. On other transcripts: inframe indel (1), non-coding transcript variant (1).
Genome position (GRCh38, 1-based): chr17:8,243,127-8,243,129, CAT duplicated on the plus strand (ATG on the coding strand, the reverse complement: CTC1 is on the minus strand); duplicating any 3 consecutive bases within chr17:8,243,127-8,243,130 gives the same sequence; the c. name uses the placement nearest the transcript's 3' end. VCF-style (leftmost placement, unchanged base first): chr17-8243126-G-GCAT. GRCh37 (hg19) VCF-style: chr17-8146444-G-GCAT.
Other names: c.52_54dup, p.Asp18_Ala19insAsp (NM_001411067.1).
Identifiers: ClinVar variation 2018399 (VCV002018399.4), dbSNP rs2508007744, ClinGen allele CA2580094927.

ClinVar aggregate classification (germline): Uncertain significance (1 of 4 stars; one submission).

Conditions:
Dyskeratosis congenita. Identifiers: Orphanet 1775, MedGen C0265965, MONDO:0015780.

Submission:

Labcorp Genetics (formerly Invitae), Labcorp
Classification: Uncertain significance for Dyskeratosis congenita. Last evaluated: 2022-09-01. Review status: criteria provided, single submitter. Criteria: Invitae Variant Classification Sherloc (09022015). Collection method: clinical testing. Allele origin: germline.
Comment: In summary, the available evidence is currently insufficient to determine the role of this variant in disease. Therefore, it has been classified as a Variant of Uncertain Significance. This variant has not been reported in the literature in individuals affected with CTC1-related conditions. This variant is not present in population databases (gnomAD no frequency). This variant, c.53_55dup, results in the insertion of 1 amino acid(s) of the CTC1 protein (p.Asp18dup), but otherwise preserves the integrity of the reading frame.